The following is an entry in ClinVar:

ClinVar aggregate classification (germline): Likely benign (1 of 4 stars; one submission).

gnomAD v4.1: 233 of 1,611,444 alleles (0.014%); highest among the groups gnomAD compares: South Asian, 0.21%; 4 homozygotes.

Submission:

CeGaT Center for Human Genetics Tuebingen
Classification: Likely benign. Last evaluated: 2026-05-01. Review status: criteria provided, single submitter. Criteria: CeGaT Center For Human Genetics Tuebingen Variant Classification Criteria Version 2. Collection method: clinical testing. Allele origin: germline. Affected: yes. Observed: 1 variant allele.
Comment: CHD6: BP4, BP7

NM_032221.5(CHD6):c.6108C>T (p.Asp2036=)

Gene: CHD6 (chromodomain helicase DNA binding protein 6; minus strand). Cytogenetic location: 20q12.
Variant type: single nucleotide variant.
Coding change: c.6108C>T on transcript NM_032221.5 (MANE Select); coding-DNA position 6108, C replaced by T.
Protein change: p.Asp2036=; no amino-acid change (aspartic acid 2036 retained).
Molecular consequence: synonymous variant.
Genome position (GRCh38, 1-based): chr20:41,420,527, G>A on the plus strand (C>T on the coding strand, the complement: CHD6 is on the minus strand). VCF-style: chr20-41420527-G-A. GRCh37 (hg19) VCF-style: chr20-40049167-G-A.
Identifiers: ClinVar variation 4872477 (VCV004872477.2).